The following is an entry in ClinVar:

ClinVar aggregate classification (germline): Benign/Likely benign. Review status: criteria provided, multiple submitters, no conflicts (2 of 4 stars). 5 submissions from 5 submitters: Benign (1); Likely benign (2). 2 of the submissions do not count toward it. Last evaluated 2024-11-27.

Allele frequency attached by ClinVar (database versions not stated): gnomAD exomes 0.00013 and 0.00007; TOPMed 0.00014; ExAC 0.00005; gnomAD 0.00011 and 0.00012.
gnomAD v4.1: 153 of 1,209,989 alleles (0.013%); highest among the groups gnomAD compares: Non-Finnish European, 0.016%; no homozygotes.

Submissions (5):

Labcorp Genetics (formerly Invitae), Labcorp
Classification: Benign. Last evaluated: 2024-11-27. Review status: criteria provided, single submitter. Criteria: Invitae Variant Classification Sherloc (09022015). Collection method: clinical testing. Allele origin: germline.

Blueprint Genetics
Classification: Likely benign. Last evaluated: 2024-08-15. Review status: criteria provided, single submitter. Criteria: ACMG Guidelines, 2015. Collection method: clinical testing. Allele origin: germline.

CeGaT Center for Human Genetics Tuebingen
Classification: Likely benign. Last evaluated: 2024-02-01. Review status: criteria provided, single submitter. Criteria: CeGaT Center For Human Genetics Tuebingen Variant Classification Criteria Version 2. Collection method: clinical testing. Allele origin: germline. Affected: yes. Observed: 1 variant allele.
Comment: DCX: BP4, BP7, BS2

Clinical Genetics DNA and cytogenetics Diagnostics Lab, Erasmus MC, Erasmus Medical Center
Classification: Likely benign. Review status: no assertion criteria provided. Collection method: clinical testing. Allele origin: germline. Affected: yes. Study: VKGL Data-share Consensus. Not counted in ClinVar's aggregate classification.

Genome Diagnostics Laboratory, University Medical Center Utrecht
Classification: Likely benign. Review status: no assertion criteria provided. Collection method: clinical testing. Allele origin: germline. Affected: yes. Study: VKGL Data-share Consensus. Not counted in ClinVar's aggregate classification.

NM_001195553.2(DCX):c.429T>C (p.Asn143=)

Gene: DCX (doublecortin; minus strand). Cytogenetic location: Xq23.
Variant type: single nucleotide variant.
Coding change: c.429T>C on transcript NM_001195553.2 (MANE Select); coding-DNA position 429, T replaced by C.
Protein change: p.Asn143=; no amino-acid change (asparagine 143 retained).
Molecular consequence: synonymous variant.
Genome position (GRCh38, 1-based): chrX:111,401,266, A>G on the plus strand (T>C on the coding strand, the complement: DCX is on the minus strand). VCF-style: chrX-111401266-A-G. GRCh37 (hg19) VCF-style: chrX-110644494-A-G.
Other names: c.672T>C, p.Asn224= (NM_000555.3); c.429T>C, p.Asn143= (NM_001369370.1, NM_001369371.1, NM_001369372.1 and 5 more transcripts).
Identifiers: ClinVar variation 1285219 (VCV001285219.27), dbSNP rs761104151, ClinGen allele CA10493323.